The following is an entry in ClinVar:

NM_000155.4(GALT):c.1006A>G (p.Met336Val)

Gene: GALT (galactose-1-phosphate uridylyltransferase; plus strand). Cytogenetic location: 9p13.3.
Variant type: single nucleotide variant.
Coding change: c.1006A>G on transcript NM_000155.4 (MANE Select); coding-DNA position 1006, A replaced by G.
Protein change: p.Met336Val; replaces methionine 336 with valine.
Molecular consequence: missense variant.
Genome position (GRCh38, 1-based): chr9:34,649,511, A>G. VCF-style: chr9-34649511-A-G. GRCh37 (hg19) VCF-style: chr9-34649508-A-G.
Other names: c.679A>G, p.Met227Val (NM_001258332.2); short protein forms M336V, M227V.
Identifiers: ClinVar variation 280997 (VCV000280997.12), dbSNP rs111033810, ClinGen allele CA5036271.

ClinVar aggregate classification (germline): Conflicting classifications of pathogenicity. Review status: criteria provided, conflicting classifications (1 of 4 stars). 4 submissions from 4 submitters: Pathogenic (1); Likely pathogenic (2); Uncertain significance (1). Last evaluated 2025-06-12.

Conditions:
Deficiency of UDPglucose-hexose-1-phosphate uridylyltransferase. Also called: GALACTOSEMIA I; GALT deficiency; Galactosemia, classic; GALACTOSE-1-PHOSPHATE URIDYLYLTRANSFERASE DEFICIENCY; Transferase Deficiency Galactosemia. Identifiers: Orphanet 352, Orphanet 79239, MedGen C0268151, MONDO:0009258, OMIM 230400.

Allele frequency attached by ClinVar (database versions not stated): TOPMed 0.00001; ESP Exome Variant Server 0.00008.
gnomAD v4.1: 2 of 1,614,116 alleles (0.00012%); highest among the groups gnomAD compares: East Asian, 0.0045%; no homozygotes.

Submissions (4):

Women's Health and Genetics/Laboratory Corporation of America, LabCorp
Classification: Likely pathogenic for Deficiency of UDPglucose-hexose-1-phosphate uridylyltransferase. Last evaluated: 2025-06-12. Review status: criteria provided, single submitter. Criteria: LabCorp Variant Classification Summary - May 2015. Collection method: clinical testing. Allele origin: germline.
Comment: Variant summary: GALT c.1006A>G (p.Met336Val) results in a conservative amino acid change located in the Galactose-1-phosphate uridyl transferase, C-terminal domain (IPR005850) of the encoded protein sequence. Algorithms developed to predict the effect of missense changes on protein structure and function are either unavailable or do not agree on the potential impact of this missense change. The variant allele was found at a frequency of 1.6e-05 in 251478 control chromosomes. The available data on variant occurrences in the general population are insufficient to allow any conclusion about variant significance. c.1006A>G has been observed in a biallelic genotype at least one individual affected with Galactosemia (Labcorp Genetics (formerly Invitae)). These data do not allow any conclusion about variant significance. Internal data demonstrated this variant was in trans with a likely pathogenic/pathogenic missense variant (c.428C>T, p.Ser143Leu) in at least 1 individual with undetectable enzyme activity in patient sample (Labcorp Genetics (formerly Invitae)). The following publications have been ascertained in the context of this evaluation (PMID: 27308838). ClinVar contains an entry for this variant (Variation ID: 280997). Based on the evidence outlined above, the variant was classified as likely pathogenic.

Labcorp Genetics (formerly Invitae), Labcorp
Classification: Pathogenic for Deficiency of UDPglucose-hexose-1-phosphate uridylyltransferase. Last evaluated: 2024-02-09. Review status: criteria provided, single submitter. Criteria: Invitae Variant Classification Sherloc (09022015). Collection method: clinical testing. Allele origin: germline.
Comment: This sequence change replaces methionine, which is neutral and non-polar, with valine, which is neutral and non-polar, at codon 336 of the GALT protein (p.Met336Val). This variant is present in population databases (rs111033810, gnomAD 0.02%). This missense change has been observed in individual(s) with features of galactosemia (Invitae). In at least one individual the data is consistent with being in trans (on the opposite chromosome) from a pathogenic variant. ClinVar contains an entry for this variant (Variation ID: 280997). Advanced modeling of protein sequence and biophysical properties (such as structural, functional, and spatial information, amino acid conservation, physicochemical variation, residue mobility, and thermodynamic stability) performed at Invitae indicates that this missense variant is expected to disrupt GALT protein function with a positive predictive value of 95%. This variant disrupts the p.Met336 amino acid residue in GALT. Other variant(s) that disrupt this residue have been determined to be pathogenic (PMID: 11397328, 17876724). This suggests that this residue is clinically significant, and that variants that disrupt this residue are likely to be disease-causing. For these reasons, this variant has been classified as Pathogenic.

Eurofins Ntd Llc (ga)
Classification: Uncertain significance. Last evaluated: 2015-09-18. Review status: criteria provided, single submitter. Criteria: EGL Classification Definitions 2015. Collection method: clinical testing. Allele origin: germline. Observed: 1 variant allele, 1 heterozygote.

Juno Genomics, Hangzhou Juno Genomics, Inc
Classification: Likely pathogenic for Deficiency of UDPglucose-hexose-1-phosphate uridylyltransferase. Review status: criteria provided, single submitter. Criteria: ACMG Guidelines, 2015. Collection method: clinical testing. Allele origin: germline.
Comment: Absent from controls (or at extremely low frequency if recessive) in Genome Aggregation Database.;Multiple lines of computational evidence support a deleterious effect on the gene or gene product.;For recessive disorders, detected in trans with a pathogenic variant.

Literature cited by the submitters: PubMed 27308838 (cited by Women's Health and Genetics/Laboratory Corporation of America, LabCorp); PubMed 11397328 (cited by Labcorp Genetics (formerly Invitae), Labcorp); PubMed 17876724 (cited by Labcorp Genetics (formerly Invitae), Labcorp).